The following is an entry in ClinVar:

NC_000010.10:g.(?_104375015)_(104389912_?)del

Gene: SUFU (SUFU negative regulator of hedgehog signaling; plus strand). Cytogenetic location: 10q24.32.
Variant type: Deletion.
Identifiers: ClinVar variation 1444621 (VCV001444621.7).

ClinVar aggregate classification (germline): Uncertain significance (1 of 4 stars; one submission).

Conditions:
Gorlin syndrome. Also called: Basal cell nevus syndrome; Nevoid Basal Cell Carcinoma Syndrome. Identifiers: Orphanet 377, MedGen C0004779, MONDO:0007187.
Medulloblastoma (MDB). Also called: MEDULLOBLASTOMA PREDISPOSITION SYNDROME; Medulloblastoma, somatic. Identifiers: Orphanet 616, MedGen C0025149, MeSH D008527, MONDO:0007959, OMIM 155255, HP:0002885.

Submission:

Labcorp Genetics (formerly Invitae), Labcorp
Classification: Uncertain significance for Gorlin syndrome; Medulloblastoma. Last evaluated: 2021-07-13. Review status: criteria provided, single submitter. Criteria: Invitae Variant Classification Sherloc (09022015). Collection method: clinical testing. Allele origin: germline.
Comment: This variant is a gross deletion of the genomic region encompassing exon(s) 9-12 of the SUFU gene. While this deletion is not anticipated to lead to nonsense mediated decay, it is expected to disrupt the C-terminus of the protein. A similar copy number variant has been observed in individual(s) with medulloblastoma (PMID: 29186568). In summary, the available evidence is currently insufficient to determine the role of this variant in disease. Therefore, it has been classified as a Variant of Uncertain Significance.

Literature cited by the submitters: PubMed 29186568.